The following is an entry in ClinVar:

NM_006509.4(RELB):c.1442G>A (p.Gly481Glu)

Gene: RELB (RELB proto-oncogene, NF-kB subunit; plus strand). Cytogenetic location: 19q13.32.
Variant type: single nucleotide variant.
Coding change: c.1442G>A on transcript NM_006509.4 (MANE Select); coding-DNA position 1442, G replaced by A.
Protein change: p.Gly481Glu; replaces glycine 481 with glutamic acid.
Molecular consequence: missense variant.
Genome position (GRCh38, 1-based): chr19:45,037,492, G>A. VCF-style: chr19-45037492-G-A. GRCh37 (hg19) VCF-style: chr19-45540750-G-A.
Other names: c.1433G>A, p.Gly478Glu (NM_001411087.1); short protein forms G478E, G481E.
Identifiers: ClinVar variation 3715651 (VCV003715651.3).
Genomic context (GRCh38, chr19:45,037,492, plus strand): 5'-TGCCAGACCCTGACTTCTTCTCTGGCACCGTGTCCCTGCCCGGCCTGGAGCCCCCTGGCG[G>A]GCCTGACCTCCTGGACGATGGCTTTGCCTACGACCCTACGGCCCCCACACTCTTCACCAT-3'
Protein context (NP_006500.2, residues 471-491): VSLPGLEPPG[Gly481Glu]PDLLDDGFAY

ClinVar aggregate classification (germline): Uncertain significance. Review status: criteria provided, multiple submitters, no conflicts (2 of 4 stars). 2 submissions from 2 submitters: Uncertain significance (2). Last evaluated 2025-08-17.

gnomAD v4.1: 3 of 1,612,340 alleles (0.00019%); highest among the groups gnomAD compares: Non-Finnish European, 0.00025%; no homozygotes.

Submissions (2):

Labcorp Genetics (formerly Invitae), Labcorp
Classification: Uncertain significance. Last evaluated: 2025-08-17. Review status: criteria provided, single submitter. Criteria: Invitae Variant Classification Sherloc (09022015). Collection method: clinical testing. Allele origin: germline.
Comment: This sequence change replaces glycine, which is neutral and non-polar, with glutamic acid, which is acidic and polar, at codon 481 of the RELB protein (p.Gly481Glu). This variant is not present in population databases (gnomAD no frequency). This variant has not been reported in the literature in individuals affected with RELB-related conditions. ClinVar contains an entry for this variant (Variation ID: 3715651). An algorithm developed to predict the effect of missense changes on protein structure and function outputs the following: PolyPhen-2: "Benign". The glutamic acid amino acid residue is found in multiple mammalian species, which suggests that this missense change does not adversely affect protein function. In summary, the available evidence is currently insufficient to determine the role of this variant in disease. Therefore, it has been classified as a Variant of Uncertain Significance.

Blueprint Genetics
Classification: Uncertain significance. Last evaluated: 2022-08-22. Review status: criteria provided, single submitter. Criteria: ACMG Guidelines, 2015. Collection method: clinical testing. Allele origin: germline.